The following is an entry in ClinVar:

ClinVar aggregate classification (germline): Conflicting classifications of pathogenicity. Review status: criteria provided, conflicting classifications (1 of 4 stars). 6 submissions from 6 submitters: Pathogenic (1); Uncertain significance (4). 1 of the submissions does not count toward it. Last evaluated 2026-06-01.

Conditions:
Retinitis pigmentosa 80 (RP80). Identifiers: MedGen C4540439, MONDO:0054708, OMIM 617781.
Saldino-Mainzer syndrome (SRTD9). Also called: Renal dysplasia, retinal pigmentary dystrophy, cerebellar ataxia and skeletal dysplasia; SHORT-RIB THORACIC DYSPLASIA 9 WITHOUT POLYDACTYLY; CONORENAL SYNDROME; short-rib thoracic dysplasia 9 with or without polydactyly. Identifiers: Orphanet 140969, MedGen C1849437, MONDO:0009964, OMIM 266920.
IFT140-related disorder. Also called: IFT140-related condition.

Allele frequency attached by ClinVar (database versions not stated): gnomAD 0.00003; TOPMed 0.00003; gnomAD exomes 0.00004; ExAC 0.00006; ESP Exome Variant Server 0.00008.
gnomAD v4.1: 64 of 1,612,342 alleles (0.004%); highest among the groups gnomAD compares: Admixed American, 0.0067%; no homozygotes.

Submissions (6):

CeGaT Center for Human Genetics Tuebingen
Classification: Uncertain significance. Last evaluated: 2026-06-01. Review status: criteria provided, single submitter. Criteria: CeGaT Center For Human Genetics Tuebingen Variant Classification Criteria Version 2. Collection method: clinical testing. Allele origin: germline. Affected: yes. Observed: 1 variant allele.
Comment: IFT140: PM2, BP4

Labcorp Genetics (formerly Invitae), Labcorp
Classification: Pathogenic for Saldino-Mainzer syndrome. Last evaluated: 2026-01-11. Review status: criteria provided, single submitter. Criteria: Invitae Variant Classification Sherloc (09022015). Collection method: clinical testing. Allele origin: germline.
Comment: This sequence change replaces arginine, which is basic and polar, with glutamine, which is neutral and polar, at codon 576 of the IFT140 protein (p.Arg576Gln). This variant is present in population databases (rs373111085, gnomAD 0.01%). This missense change has been observed in individuals with clinical features of IFT140-related conditions (PMID: 22503633; internal data). ClinVar contains an entry for this variant (Variation ID: 194537). Invitae Evidence Modeling of protein sequence and biophysical properties (such as structural, functional, and spatial information, amino acid conservation, physicochemical variation, residue mobility, and thermodynamic stability) has been performed for this missense variant. However, the output from this modeling did not meet the statistical confidence thresholds required to predict the impact of this variant on IFT140 protein function. This variant disrupts the p.Arg576 amino acid residue in IFT140. Other variant(s) that disrupt this residue have been observed in individuals with IFT140-related conditions (PMID: 28512305; internal data), which suggests that this may be a clinically significant amino acid residue. For these reasons, this variant has been classified as Pathogenic.

Fulgent Genetics
Classification: Uncertain significance for Saldino-Mainzer syndrome; Retinitis pigmentosa 80. Last evaluated: 2024-01-30. Review status: criteria provided, single submitter. Criteria: ACMG Guidelines, 2015. Collection method: clinical testing. Allele origin: germline.

Blueprint Genetics
Classification: Uncertain significance. Last evaluated: 2021-12-14. Review status: criteria provided, single submitter. Criteria: ACMG Guidelines, 2015. Collection method: clinical testing. Allele origin: germline.

Eurofins Ntd Llc (ga)
Classification: Uncertain significance. Last evaluated: 2015-02-27. Review status: criteria provided, single submitter. Criteria: EGL Classification Definitions 2015. Collection method: clinical testing. Allele origin: germline. Observed: 2 variant alleles, 2 heterozygotes.

PreventionGenetics, part of Exact Sciences
Classification: Uncertain significance for IFT140-related condition. Last evaluated: 2024-09-26. Review status: no assertion criteria provided. Collection method: clinical testing. Allele origin: germline. Not counted in ClinVar's aggregate classification.
Comment: The IFT140 c.1727G>A variant is predicted to result in the amino acid substitution p.Arg576Gln. This variant in the heterozygous condition has been reported in an individual with Mainzer-Saldino syndrome (Perrault et al 2012. PubMed ID: 22503633). This variant is reported in 0.012% of alleles in individuals of Latino descent in gnomAD. A different variant affecting the same amino acid (p.Arg576Leu) has been reported as uncertain in individual with congenital heart disease, who also carried a second variant in this gene (Table S10, Alankarage et al. 2019. PubMed ID: 30293987) and found in the compound heterozygous condition along with a second variant in this gene in another individual with retinitis pigmentosa (Huang et al. 2017. PubMed ID: 28512305). At this time, the clinical significance of this variant is uncertain due to the absence of conclusive functional and genetic evidence.

Literature cited by the submitters: PubMed 22503633 (cited by Labcorp Genetics (formerly Invitae), Labcorp); PubMed 28512305 (cited by Labcorp Genetics (formerly Invitae), Labcorp).

NM_014714.4(IFT140):c.1727G>A (p.Arg576Gln)

Gene: IFT140 (intraflagellar transport 140; minus strand). Cytogenetic location: 16p13.3.
Variant type: single nucleotide variant.
Coding change: c.1727G>A on transcript NM_014714.4 (MANE Select); coding-DNA position 1727, G replaced by A.
Protein change: p.Arg576Gln; replaces arginine 576 with glutamine.
Molecular consequence: missense variant.
Genome position (GRCh38, 1-based): chr16:1,568,260, C>T on the plus strand (G>A on the coding strand, the complement: IFT140 is on the minus strand). VCF-style: chr16-1568260-C-T. GRCh37 (hg19) VCF-style: chr16-1618261-C-T.
Other names: short protein forms R576Q.
Identifiers: ClinVar variation 194537 (VCV000194537.18), dbSNP rs373111085, ClinGen allele CA240556.